The following is an entry in ClinVar:

ClinVar aggregate classification (germline): Uncertain significance (1 of 4 stars; one submission).

Allele frequency attached by ClinVar (database versions not stated): gnomAD exomes 0.00002; gnomAD 0.00008 and 0.00009; TOPMed 0.00012.
gnomAD v4.1: 19 of 1,524,896 alleles (0.0012%); highest among the groups gnomAD compares: African/African-American, 0.018%; no homozygotes.

Submission:

Labcorp Genetics (formerly Invitae), Labcorp
Classification: Uncertain significance. Last evaluated: 2025-08-06. Review status: criteria provided, single submitter. Criteria: Invitae Variant Classification Sherloc (09022015). Collection method: clinical testing. Allele origin: germline.
Comment: This sequence change falls in intron 11 of the MMP9 gene. It does not directly change the encoded amino acid sequence of the MMP9 protein. It affects a nucleotide within the consensus splice site. This variant is present in population databases (no rsID available, gnomAD 0.03%). This variant has not been reported in the literature in individuals affected with MMP9-related conditions. ClinVar contains an entry for this variant (Variation ID: 1488487). Variants that disrupt the consensus splice site are a relatively common cause of aberrant splicing (PMID: 17576681, 9536098). Algorithms developed to predict the effect of sequence changes on RNA splicing suggest that this variant is not likely to affect RNA splicing. In summary, the available evidence is currently insufficient to determine the role of this variant in disease. Therefore, it has been classified as a Variant of Uncertain Significance.

Literature cited by the submitters: PubMed 17576681; PubMed 9536098.

NM_004994.3(MMP9):c.1901+6C>T

Genes: MMP9 (matrix metallopeptidase 9; plus strand), SLC12A5-AS1 (SLC12A5 and MMP9 antisense RNA 1; minus strand), LOC130065978 (ATAC-STARR-seq lymphoblastoid silent region 12969; plus strand). Cytogenetic location: 20q13.12.
Variant type: single nucleotide variant.
Coding change: c.1901+6C>T on transcript NM_004994.3 (MANE Select); 6 bases into the intron after coding-DNA position 1901, C replaced by T.
Molecular consequence: intron variant. On other transcripts: non-coding transcript variant (1).
Genome position (GRCh38, 1-based): chr20:46,014,280, C>T. VCF-style: chr20-46014280-C-T. GRCh37 (hg19) VCF-style: chr20-44642919-C-T.
Identifiers: ClinVar variation 1488487 (VCV001488487.6), dbSNP rs912304552, ClinGen allele CA315636690.
Genomic context (GRCh38, chr20:46,014,280, plus strand): 5'-CCCTCCGGAGTGGCAGGGGGAAGATGCTGCTGTTCAGCGGGCGGCGCCTCTGGAGGTGAG[C>T]GCCGCCGCGGCCGCCGGCAGGGGGAGCCCGGGCGCCGTCGGTCCGTCCGCTAGCCGGCTC-3'